The following is an entry in ClinVar:

ClinVar aggregate classification (germline): Uncertain significance (1 of 4 stars; one submission).

Allele frequency attached by ClinVar (database versions not stated): gnomAD 0.00001.
gnomAD v4.1: 6 of 1,613,966 alleles (0.00037%); highest among the groups gnomAD compares: Admixed American, 0.0083%; no homozygotes.

Submission:

Labcorp Genetics (formerly Invitae), Labcorp
Classification: Uncertain significance. Last evaluated: 2022-07-19. Review status: criteria provided, single submitter. Criteria: Invitae Variant Classification Sherloc (09022015). Collection method: clinical testing. Allele origin: germline.
Comment: This sequence change replaces aspartic acid, which is acidic and polar, with asparagine, which is neutral and polar, at codon 728 of the GRIN2D protein (p.Asp728Asn). In summary, the available evidence is currently insufficient to determine the role of this variant in disease. Therefore, it has been classified as a Variant of Uncertain Significance. Algorithms developed to predict the effect of missense changes on protein structure and function (SIFT, PolyPhen-2, Align-GVGD) all suggest that this variant is likely to be tolerated. ClinVar contains an entry for this variant (Variation ID: 1409100). This variant has not been reported in the literature in individuals affected with GRIN2D-related conditions. This variant is present in population databases (rs752367785, gnomAD 0.01%).

NM_000836.4(GRIN2D):c.2182G>A (p.Asp728Asn)

Gene: GRIN2D (glutamate ionotropic receptor NMDA type subunit 2D; plus strand). Cytogenetic location: 19q13.33.
Variant type: single nucleotide variant.
Coding change: c.2182G>A on transcript NM_000836.4 (MANE Select); coding-DNA position 2182, G replaced by A.
Protein change: p.Asp728Asn; replaces aspartic acid 728 with asparagine.
Molecular consequence: missense variant.
Genome position (GRCh38, 1-based): chr19:48,421,875, G>A. VCF-style: chr19-48421875-G-A. GRCh37 (hg19) VCF-style: chr19-48925132-G-A.
Other names: short protein forms D728N.
Identifiers: ClinVar variation 1409100 (VCV001409100.6), dbSNP rs752367785, ClinGen allele CA9550677.